The following is an entry in ClinVar:

NM_032520.5(GNPTG):c.539del (p.Leu180fs)

Gene: GNPTG (N-acetylglucosamine-1-phosphate transferase subunit gamma; plus strand). Cytogenetic location: 16p13.3.
Variant type: Deletion.
Coding change: c.539del on transcript NM_032520.5 (MANE Select); coding-DNA position 539, one base deleted (T; older notation c.539delT).
Protein change: p.Leu180fs; shifts the reading frame from leucine 180.
Molecular consequence: frameshift variant.
Genome position (GRCh38, 1-based): chr16:1,362,464, T deleted. VCF-style (leftmost placement, unchanged base first): chr16-1362463-CT-C. GRCh37 (hg19) VCF-style: chr16-1412464-CT-C.
Other names: short protein forms L180fs.
Identifiers: ClinVar variation 5012958 (VCV005012958.1).

ClinVar aggregate classification (germline): Pathogenic (1 of 4 stars; one submission).

Conditions:
GNPTG-mucolipidosis. Also called: ML III GAMMA; ML IIIC; MUCOLIPIDOSIS III, COMPLEMENTATION GROUP C; MUCOLIPIDOSIS III, IRANIAN VARIANT FORM; MUCOLIPIDOSIS III, VARIANT FORM; Mucolipidosis type III gamma. Identifiers: Orphanet 423470, Orphanet 577, MedGen C1854896, MONDO:0009652, OMIM 252605.

Submission:

Myriad Genetics, Inc.
Classification: Pathogenic for GNPTG-mucolipidosis. Last evaluated: 2024-04-24. Review status: criteria provided, single submitter. Criteria: Myriad Autosomal Dominant, Autosomal Recessive and X-Linked Classification Criteria (2023). Collection method: clinical testing. Allele origin: unknown.
Comment: NM_032520.4(GNPTG):c.539delT(L180Rfs*12) is expected to be pathogenic in the context of mucolipidosis III gamma. This variant is predicted to lead to an abnormal or absent protein product due to the creation of a premature termination codon in GNPTG, a gene where loss-of-function variants are known to be pathogenic. Please note: this variant was assessed in the context of healthy population screening.